The following is an entry in ClinVar:

NM_001127222.2(CACNA1A):c.3377A>G (p.Asn1126Ser)

Gene: CACNA1A (calcium voltage-gated channel subunit alpha1 A; minus strand). Cytogenetic location: 19p13.13.
Variant type: single nucleotide variant.
Coding change: c.3377A>G on transcript NM_001127222.2 (MANE Select); coding-DNA position 3377, A replaced by G.
Protein change: p.Asn1126Ser; replaces asparagine 1126 with serine.
Molecular consequence: missense variant.
Genome position (GRCh38, 1-based): chr19:13,286,679, T>C on the plus strand (A>G on the coding strand, the complement: CACNA1A is on the minus strand). VCF-style: chr19-13286679-T-C. GRCh37 (hg19) VCF-style: chr19-13397493-T-C.
Other names: c.3389A>G, p.Asn1130Ser (NM_000068.4, NM_023035.3); c.3380A>G, p.Asn1127Ser (NM_001127221.2, NM_001174080.2); short protein forms N1126S, N1127S, N1130S.
Identifiers: ClinVar variation 1013140 (VCV001013140.48), dbSNP rs755440575, ClinGen allele CA9240342.

ClinVar aggregate classification (germline): Uncertain significance. Review status: criteria provided, multiple submitters, no conflicts (2 of 4 stars). 5 submissions from 5 submitters: Uncertain significance (5). Last evaluated 2025-11-11.

Conditions:
Episodic ataxia type 2 (EA2). Also called: CEREBELLAR ATAXIA, PAROXYSMAL, ACETAZOLAMIDE-RESPONSIVE; CEREBELLOPATHY, HEREDITARY PAROXYSMAL; EPISODIC ATAXIA, NYSTAGMUS-ASSOCIATED; ACETAZOLAMIDE-RESPONSIVE HEREDITARY PAROXYSMAL CEREBELLAR ATAXIA; ATAXIA, EPISODIC, WITH NYSTAGMUS; ATAXIA, FAMILIAL PAROXYSMAL. Identifiers: Orphanet 97, MedGen C1720416, MONDO:0007163, OMIM 108500.
Developmental and epileptic encephalopathy, 42 (DEE42A). Also called: Epileptic encephalopathy, early infantile, 42; DEVELOPMENTAL AND EPILEPTIC ENCEPHALOPATHY 42A; EPILEPTIC ENCEPHALOPATHY, EARLY INFANTILE, 42A. Identifiers: MedGen C4310716, MONDO:0014917, OMIM 617106.
Inborn genetic diseases. Identifiers: MedGen C0950123, MeSH D030342.

Allele frequency attached by ClinVar (database versions not stated): ExAC 0.00001; gnomAD 0.00001; gnomAD exomes 0.00001 and 0.00004; TOPMed 0.00003.
gnomAD v4.1: 60 of 1,567,632 alleles (0.0038%); highest among the groups gnomAD compares: Non-Finnish European, 0.0049%; no homozygotes.

Submissions (5):

Ambry Genetics
Classification: Uncertain significance for Inborn genetic diseases. Last evaluated: 2025-11-11. Review status: criteria provided, single submitter. Criteria: Ambry Variant Classification Scheme 2023. Collection method: clinical testing. Allele origin: germline.

Labcorp Genetics (formerly Invitae), Labcorp
Classification: Uncertain significance for Developmental and epileptic encephalopathy, 42; Episodic ataxia type 2. Last evaluated: 2024-11-03. Review status: criteria provided, single submitter. Criteria: Invitae Variant Classification Sherloc (09022015). Collection method: clinical testing. Allele origin: germline.
Comment: This sequence change replaces asparagine, which is neutral and polar, with serine, which is neutral and polar, at codon 1127 of the CACNA1A protein (p.Asn1127Ser). This variant is present in population databases (rs755440575, gnomAD 0.002%). This variant has not been reported in the literature in individuals affected with CACNA1A-related conditions. ClinVar contains an entry for this variant (Variation ID: 1013140). Invitae Evidence Modeling of protein sequence and biophysical properties (such as structural, functional, and spatial information, amino acid conservation, physicochemical variation, residue mobility, and thermodynamic stability) indicates that this missense variant is not expected to disrupt CACNA1A protein function with a negative predictive value of 95%. In summary, the available evidence is currently insufficient to determine the role of this variant in disease. Therefore, it has been classified as a Variant of Uncertain Significance.

Athena Diagnostics
Classification: Uncertain significance. Last evaluated: 2022-01-11. Review status: criteria provided, single submitter. Criteria: Athena Diagnostics Criteria. Collection method: clinical testing. Allele origin: unknown.

GeneDx
Classification: Uncertain significance. Last evaluated: 2021-05-26. Review status: criteria provided, single submitter. Criteria: GeneDx Variant Classification Process June 2021. Collection method: clinical testing. Allele origin: germline. Affected: yes.
Comment: Not observed at significant frequency in large population cohorts (Lek et al., 2016); In silico analysis supports that this missense variant does not alter protein structure/function; Has not been previously published as pathogenic or benign to our knowledge

CeGaT Center for Human Genetics Tuebingen
Classification: Uncertain significance. Last evaluated: 2020-11-01. Review status: criteria provided, single submitter. Criteria: CeGaT Center For Human Genetics Tuebingen Variant Classification Criteria Version 2. Collection method: clinical testing. Allele origin: germline. Affected: yes. Observed: 2 variant alleles.